The following is an entry in ClinVar:

ClinVar aggregate classification (germline): Uncertain significance. Review status: criteria provided, multiple submitters, no conflicts (2 of 4 stars). 2 submissions from 2 submitters: Uncertain significance (2). Last evaluated 2025-06-18.

Conditions:
Inborn genetic diseases. Identifiers: MedGen C0950123, MeSH D030342.

Allele frequency attached by ClinVar (database versions not stated): gnomAD 0.00001; TOPMed 0.00002; ExAC 0.00006.

Submissions (2):

Ambry Genetics
Classification: Uncertain significance for Inborn genetic diseases. Last evaluated: 2025-06-18. Review status: criteria provided, single submitter. Criteria: Ambry Variant Classification Scheme 2023. Collection method: clinical testing. Allele origin: germline.

GeneDx
Classification: Uncertain significance. Last evaluated: 2022-04-27. Review status: criteria provided, single submitter. Criteria: GeneDx Variant Classification Process June 2021. Collection method: clinical testing. Allele origin: germline. Affected: yes.
Comment: In silico analysis supports that this missense variant does not alter protein structure/function; Has not been previously published as pathogenic or benign to our knowledge

NM_177400.3(NKX6-2):c.778C>T (p.Pro260Ser)

Gene: NKX6-2 (NK6 homeobox 2; minus strand). Cytogenetic location: 10q26.3.
Variant type: single nucleotide variant.
Coding change: c.778C>T on transcript NM_177400.3 (MANE Select); coding-DNA position 778, C replaced by T.
Protein change: p.Pro260Ser; replaces proline 260 with serine.
Molecular consequence: missense variant.
Genome position (GRCh38, 1-based): chr10:132,784,972, G>A on the plus strand (C>T on the coding strand, the complement: NKX6-2 is on the minus strand). VCF-style: chr10-132784972-G-A. GRCh37 (hg19) VCF-style: chr10-134598476-G-A.
Other names: short protein forms P260S.
Identifiers: ClinVar variation 1712862 (VCV001712862.3), dbSNP rs772614153, ClinGen allele CA5755986.
Genomic context (GRCh38, chr10:132,784,972, plus strand): 5'-GTCCTCACAAGGCGTCCCCCGCGCCGCCGCCGCACGGGCTGACCAGCGCCAAGTTCGAGG[G>A]TTTGTGCTTCTTGAGCAGCCGCGTGATCTTCTCGTCGTCCGAGTTGGGGTCCAGGGGCCG-3'
Protein context (NP_796374.2, residues 250-270): KITRLLKKHK[Pro260Ser]SNLALVSPCG